The following is an entry in ClinVar:

NM_005475.3(SH2B3):c.1660G>T (p.Asp554Tyr)

Gene: SH2B3 (SH2B adaptor protein 3; plus strand). Cytogenetic location: 12q24.12.
Variant type: single nucleotide variant.
Coding change: c.1660G>T on transcript NM_005475.3 (MANE Select); coding-DNA position 1660, G replaced by T.
Protein change: p.Asp554Tyr; replaces aspartic acid 554 with tyrosine.
Molecular consequence: missense variant.
Genome position (GRCh38, 1-based): chr12:111,448,234, G>T. VCF-style: chr12-111448234-G-T. GRCh37 (hg19) VCF-style: chr12-111886038-G-T.
Other names: c.1054G>T, p.Asp352Tyr (NM_001291424.1); short protein forms D554Y, D352Y.
Identifiers: ClinVar variation 3953414 (VCV003953414.1).

ClinVar aggregate classification (germline): Uncertain significance (1 of 4 stars; one submission).

Conditions:
Inborn genetic diseases. Identifiers: MedGen C0950123, MeSH D030342.

Submission:

Ambry Genetics
Classification: Uncertain significance for Inborn genetic diseases. Last evaluated: 2025-04-02. Review status: criteria provided, single submitter. Criteria: Ambry Variant Classification Scheme 2023. Collection method: clinical testing. Allele origin: germline.
Comment: The p.D554Y variant (also known as c.1660G>T), located in coding exon 7 of the SH2B3 gene, results from a G to T substitution at nucleotide position 1660. The aspartic acid at codon 554 is replaced by tyrosine, an amino acid with highly dissimilar properties. This amino acid position is conserved. In addition, the in silico prediction for this alteration is inconclusive. Based on the available evidence, the clinical significance of this variant remains unclear.